The following is an entry in ClinVar:

NM_005476.7(GNE):c.865C>T (p.Gln289Ter)

Gene: GNE (glucosamine (UDP-N-acetyl)-2-epimerase/N-acetylmannosamine kinase; minus strand). Cytogenetic location: 9p13.3.
Variant type: single nucleotide variant.
Coding change: c.865C>T on transcript NM_005476.7 (MANE Select); coding-DNA position 865, C replaced by T.
Protein change: p.Gln289Ter; replaces glutamine 289 with a stop codon.
Molecular consequence: nonsense.
Genome position (GRCh38, 1-based): chr9:36,234,037, G>A on the plus strand (C>T on the coding strand, the complement: GNE is on the minus strand). VCF-style: chr9-36234037-G-A. GRCh37 (hg19) VCF-style: chr9-36234034-G-A.
Other names: c.958C>T, p.Gln320Ter (NM_001128227.3); c.865C>T, p.Gln289Ter (NM_001190383.3); c.535C>T, p.Gln179Ter (NM_001190384.3); c.688C>T, p.Gln230Ter (NM_001190388.2, NM_001374798.1); c.712C>T, p.Gln238Ter (NM_001374797.1); short protein forms Q238*, Q320*, Q179*, Q230*, Q289*.
Identifiers: ClinVar variation 2927122 (VCV002927122.3), dbSNP rs775446242, ClinGen allele CA5056645.
Genomic context (GRCh38, chr9:36,234,037, plus strand): 5'-CAACTTCTCGAACCCCACAGCTGCTGTTCCCAATCATACAGCCAGCATGGGCAACCAACT[G>A]TATAAACTGGTCAAATGGGACGTGTTTAACTGCACGAAAGTTGGGATGATGCTCAATGCC-3'

ClinVar aggregate classification (germline): Pathogenic (1 of 4 stars; one submission).

Conditions:
Sialuria. Also called: SIALURIA, FRENCH TYPE; Sialic Acid Storage Disease. Identifiers: Orphanet 3166, MedGen C0342853, MONDO:0010028, OMIM 269921.
GNE myopathy (NM). Also called: NONAKA DISTAL MYOPATHY; INCLUSION BODY MYOPATHY, HEREDITARY, AUTOSOMAL RECESSIVE; INCLUSION BODY MYOPATHY 2, AUTOSOMAL RECESSIVE; MYOPATHY, DISTAL, WITH OR WITHOUT RIMMED VACUOLES; IBM 2; Inclusion body myopathy autosomal recessive. Identifiers: Orphanet 602, MedGen C1853926, MONDO:0011603, OMIM 605820.

Allele frequency attached by ClinVar (database versions not stated): gnomAD exomes below 0.00001; ExAC 0.00001.
gnomAD v4.1: 1 of 1,614,016 alleles (0.000062%); highest among the groups gnomAD compares: Non-Finnish European, 0.000085%; no homozygotes.

Submission:

Labcorp Genetics (formerly Invitae), Labcorp
Classification: Pathogenic for Sialuria; GNE myopathy. Last evaluated: 2025-11-21. Review status: criteria provided, single submitter. Criteria: Invitae Variant Classification Sherloc (09022015). Collection method: clinical testing. Allele origin: germline.
Comment: This sequence change creates a premature translational stop signal (p.Gln320*) in the GNE gene. It is expected to result in an absent or disrupted protein product. Loss-of-function variants in GNE are known to be pathogenic (PMID: 24027297). This variant is present in population databases (rs775446242, gnomAD 0.0009%). This premature translational stop signal has been observed in individual(s) with GNE-related conditions (PMID: 30390020). ClinVar contains an entry for this variant (Variation ID: 2927122). For these reasons, this variant has been classified as Pathogenic.

Literature cited by the submitters: PubMed 24027297; PubMed 30390020.